The following is an entry in ClinVar:

ClinVar aggregate classification (germline): Uncertain significance (1 of 4 stars; one submission).

Submission:

Dasa
Classification: Uncertain significance. Last evaluated: 2026-04-10. Review status: criteria provided, single submitter. Criteria: DASA Assertion Criteria. Collection method: clinical testing. Allele origin: germline.
Comment: NM_013275.6(ANKRD11):c.7376C>T (p.Thr2459Met) is a missense variant that results in the substitution of threonine with methionine. The affected residue or protein region has prior evidence supporting clinical relevance. This variant is absent from population databases. The currently available literature and clinical evidence are not sufficient to establish a definitive association between this variant and the reported condition. Therefore, this variant is classified as a variant of uncertain significance.

NM_013275.6(ANKRD11):c.7376C>T (p.Thr2459Met)

Gene: ANKRD11 (ankyrin repeat domain 11; minus strand). Cytogenetic location: 16q24.3.
Variant type: single nucleotide variant.
Coding change: c.7376C>T on transcript NM_013275.6 (MANE Select); coding-DNA position 7376, C replaced by T.
Protein change: p.Thr2459Met; replaces threonine 2459 with methionine.
Molecular consequence: missense variant.
Genome position (GRCh38, 1-based): chr16:89,279,166, G>A on the plus strand (C>T on the coding strand, the complement: ANKRD11 is on the minus strand). VCF-style: chr16-89279166-G-A. GRCh37 (hg19) VCF-style: chr16-89345574-G-A.
Other names: c.7376C>T, p.Thr2459Met (NM_001256182.2, NM_001256183.2); short protein forms T2459M.
Identifiers: ClinVar variation 4883172 (VCV004883172.2).